The following is an entry in ClinVar:

ClinVar aggregate classification (germline): Uncertain significance (1 of 4 stars; one submission).

Conditions:
Inborn genetic diseases. Identifiers: MedGen C0950123, MeSH D030342.

Submission:

Ambry Genetics
Classification: Uncertain significance for Inborn genetic diseases. Last evaluated: 2024-11-22. Review status: criteria provided, single submitter. Criteria: Ambry Variant Classification Scheme 2023. Collection method: clinical testing. Allele origin: germline.
Comment: The p.G657R variant (also known as c.1969G>A), located in coding exon 14 of the ERCC6L2 gene, results from a G to A substitution at nucleotide position 1969. The glycine at codon 657 is replaced by arginine, an amino acid with dissimilar properties. This amino acid position is conserved. In addition, this alteration is predicted to be deleterious by in silico analysis. Based on the available evidence, the clinical significance of this variant remains unclear.

NM_020207.7(ERCC6L2):c.1969G>A (p.Gly657Arg)

Gene: ERCC6L2 (ERCC excision repair 6 like 2; plus strand). Cytogenetic location: 9q22.32.
Variant type: single nucleotide variant.
Coding change: c.1969G>A on transcript NM_020207.7 (MANE Select); coding-DNA position 1969, G replaced by A.
Protein change: p.Gly657Arg; replaces glycine 657 with arginine.
Molecular consequence: missense variant. On other transcripts: non-coding transcript variant (1).
Genome position (GRCh38, 1-based): chr9:95,966,583, G>A. VCF-style: chr9-95966583-G-A. GRCh37 (hg19) VCF-style: chr9-98728865-G-A.
Other names: c.1969G>A, p.Gly657Arg (NM_001010895.4, NM_001375291.1, NM_001375292.1 and 2 more transcripts); short protein forms G657R.
Identifiers: ClinVar variation 3509970 (VCV003509970.1).